The following is an entry in ClinVar:

ClinVar aggregate classification (germline): Pathogenic (0 of 4 stars; one submission).

Conditions:
Deficiency of ferroxidase (ACEP). Also called: Deficiency of ceruloplasmin; Aceruloplasminemia; Ceruloplasmin deficiency; Familial apoceruloplasmin deficiency; Hereditary ceruloplasmin deficiency; NEURODEGENERATION WITH BRAIN IRON ACCUMULATION 10. Identifiers: Orphanet 48818, MedGen C0878682, MONDO:0011426, OMIM 604290, HP:0025498.

Submission:

GeneReviews
Classification: Pathogenic for Aceruloplasminemia. Last evaluated: 2013-04-18. Review status: no assertion criteria provided. Collection method: curation. Allele origin: unknown.
ClinVar note: Converted during submission from pathologic to Pathogenic.

NM_000096.4(CP):c.1257_1258del (p.Ser419_Tyr420insTer)

Gene: CP (ceruloplasmin; minus strand). Cytogenetic location: 3q25.1.
Variant type: Deletion.
Coding change: c.1257_1258del on transcript NM_000096.4 (MANE Select); coding-DNA positions 1257 to 1258, 2 bases deleted (TT; older notation c.1257_1258delTT).
Protein change: p.Ser419_Tyr420insTer.
Molecular consequence: frameshift variant. On other transcripts: non-coding transcript variant (1).
Genome position (GRCh38, 1-based): chr3:149,202,192-149,202,193, AA deleted on the plus strand (TT on the coding strand, the reverse complement: CP is on the minus strand). VCF-style (leftmost placement, unchanged base first): chr3-149202191-TAA-T. GRCh37 (hg19) VCF-style: chr3-148919978-TAA-T.
Other names: c.1257_1258delTT.
Identifiers: ClinVar variation 42133 (VCV000042133.3), dbSNP rs386134144, ClinGen allele CA344592.